The following is an entry in ClinVar:

ClinVar aggregate classification (germline): Uncertain significance. Review status: criteria provided, multiple submitters, no conflicts (2 of 4 stars). 2 submissions from 2 submitters: Uncertain significance (2). Last evaluated 2025-08-11.

Conditions:
Inborn genetic diseases. Identifiers: MedGen C0950123, MeSH D030342.
Generalized epilepsy with febrile seizures plus, type 7 (GEFSP7). Also called: GEFS+, TYPE 7. Identifiers: Orphanet 36387, MedGen C2751778, MONDO:0013470, OMIM 613863.
Neuropathy, hereditary sensory and autonomic, type 2A (HSAN2A). Also called: ACROOSTEOLYSIS, GIACCAI TYPE; ACROOSTEOLYSIS, NEUROGENIC; MORVAN DISEASE; NEUROPATHY, CONGENITAL SENSORY; NEUROPATHY, HEREDITARY SENSORY RADICULAR, AUTOSOMAL RECESSIVE; NEUROPATHY, HEREDITARY SENSORY, TYPE IIA. Identifiers: Orphanet 970, MedGen C2752089, MONDO:0024309, OMIM 201300.

Allele frequency attached by ClinVar (database versions not stated): gnomAD exomes below 0.00001 and 0.00001.

Submissions (2):

Ambry Genetics
Classification: Uncertain significance for Inborn genetic diseases. Last evaluated: 2025-08-11. Review status: criteria provided, single submitter. Criteria: Ambry Variant Classification Scheme 2023. Collection method: clinical testing. Allele origin: germline.

Labcorp Genetics (formerly Invitae), Labcorp
Classification: Uncertain significance for Neuropathy, hereditary sensory and autonomic, type 2A; Generalized epilepsy with febrile seizures plus, type 7. Last evaluated: 2020-01-20. Review status: criteria provided, single submitter. Criteria: Invitae Variant Classification Sherloc (09022015). Collection method: clinical testing. Allele origin: germline.
Comment: Algorithms developed to predict the effect of missense changes on protein structure and function are either unavailable or do not agree on the potential impact of this missense change (SIFT: "Deleterious"; PolyPhen-2: "Probably Damaging"; Align-GVGD: "Class C15"). This sequence change replaces glutamic acid with lysine at codon 1769 of the SCN9A protein (p.Glu1769Lys). The glutamic acid residue is highly conserved and there is a small physicochemical difference between glutamic acid and lysine. This variant is not present in population databases (ExAC no frequency). This variant has not been reported in the literature in individuals with SCN9A-related conditions. In summary, the available evidence is currently insufficient to determine the role of this variant in disease. Therefore, it has been classified as a Variant of Uncertain Significance.

NM_001365536.1(SCN9A):c.5338G>A (p.Glu1780Lys)

Genes: SCN9A (sodium voltage-gated channel alpha subunit 9; minus strand), SCN1A-AS1 (SCN1A and SCN9A antisense RNA 1; plus strand). Cytogenetic location: 2q24.3.
Variant type: single nucleotide variant.
Coding change: c.5338G>A on transcript NM_001365536.1 (MANE Select); coding-DNA position 5338, G replaced by A.
Protein change: p.Glu1780Lys; replaces glutamic acid 1780 with lysine.
Molecular consequence: missense variant.
Genome position (GRCh38, 1-based): chr2:166,199,301, C>T on the plus strand (G>A on the coding strand, the complement: SCN9A is on the minus strand). VCF-style: chr2-166199301-C-T. GRCh37 (hg19) VCF-style: chr2-167055811-C-T.
Other names: c.5305G>A, p.Glu1769Lys (NM_002977.4); short protein forms E1769K, E1780K.
Identifiers: ClinVar variation 1035555 (VCV001035555.10), dbSNP rs1266432360, ClinGen allele CA349053478.